The following is an entry in ClinVar:

NM_012210.4(TRIM32):c.601C>G (p.Arg201Gly)

Genes: ASTN2 (astrotactin 2; minus strand), TRIM32 (tripartite motif containing 32; plus strand). Cytogenetic location: 9q33.1.
Variant type: single nucleotide variant.
Coding change: c.601C>G on transcript NM_012210.4 (MANE Select); coding-DNA position 601, C replaced by G.
Protein change: p.Arg201Gly; replaces arginine 201 with glycine.
Molecular consequence: missense variant. On other transcripts: intron variant (3).
Genome position (GRCh38, 1-based): chr9:116,698,343, C>G. VCF-style: chr9-116698343-C-G. GRCh37 (hg19) VCF-style: chr9-119460622-C-G.
Other names: c.601C>G, p.Arg201Gly (NM_001099679.2, NM_001379048.1, NM_001379049.1 and 1 more transcripts); c.2653+27428G>C (NM_014010.5); c.2794+27428G>C (NM_001365069.1); c.2806+27428G>C (NM_001365068.1); short protein forms R201G.
Identifiers: ClinVar variation 1428778 (VCV001428778.6), dbSNP rs147304059, ClinGen allele CA374649127.

ClinVar aggregate classification (germline): Uncertain significance (1 of 4 stars; one submission).

Conditions:
Bardet-Biedl syndrome (BBS). Identifiers: Orphanet 110, MedGen C0752166, MONDO:0015229.

gnomAD v4.1: 1 of 1,614,098 alleles (0.000062%); highest among the groups gnomAD compares: Admixed American, 0.0017%; no homozygotes.

Submission:

Labcorp Genetics (formerly Invitae), Labcorp
Classification: Uncertain significance for Bardet-Biedl syndrome. Last evaluated: 2022-10-04. Review status: criteria provided, single submitter. Criteria: Invitae Variant Classification Sherloc (09022015). Collection method: clinical testing. Allele origin: germline.
Comment: In summary, the available evidence is currently insufficient to determine the role of this variant in disease. Therefore, it has been classified as a Variant of Uncertain Significance. Algorithms developed to predict the effect of missense changes on protein structure and function (SIFT, PolyPhen-2, Align-GVGD) all suggest that this variant is likely to be disruptive. ClinVar contains an entry for this variant (Variation ID: 1428778). This variant has not been reported in the literature in individuals affected with TRIM32-related conditions. This variant is present in population databases (no rsID available, gnomAD 0.003%). This sequence change replaces arginine, which is basic and polar, with glycine, which is neutral and non-polar, at codon 201 of the TRIM32 protein (p.Arg201Gly).